The following is an entry in ClinVar:

NM_000059.4(BRCA2):c.522del (p.Gln175fs)

Gene: BRCA2 (BRCA2 DNA repair associated; plus strand). Cytogenetic location: 13q13.1.
Variant type: Deletion.
Coding change: c.522del on transcript NM_000059.4 (MANE Select); coding-DNA position 522, one base deleted (T; older notation c.522delT).
Protein change: p.Gln175fs; shifts the reading frame from glutamine 175.
Molecular consequence: frameshift variant.
Genome position (GRCh38, 1-based): chr13:32,326,504, T deleted. VCF-style (leftmost placement, unchanged base first): chr13-32326503-GT-G. GRCh37 (hg19) VCF-style: chr13-32900640-GT-G.
Other names: c.522delT (NM_000059.3); short protein forms Q175fs.
Identifiers: ClinVar variation 409558 (VCV000409558.17), dbSNP rs1060502465, ClinGen allele CA16614099.

ClinVar aggregate classification (germline): Pathogenic. Review status: reviewed by expert panel (3 of 4 stars). 4 submissions from 4 submitters: Pathogenic (1). 3 of the submissions do not count toward it. Last evaluated 2017-12-15.

Conditions:
Hereditary breast ovarian cancer syndrome. Also called: Hereditary breast and ovarian cancer syndrome; Hereditary breast and/or ovarian cancer syndrome; BRCA1- and BRCA2-Associated Hereditary Breast and Ovarian Cancer; Hereditary breast and ovarian cancer syndrome (HBOC); Hereditary breast and ovarian cancer; Breast and ovarian cancer. Identifiers: Orphanet 145, MedGen C0677776, MeSH D061325, MONDO:0003582. Disease mechanism: loss of function.
Hereditary cancer-predisposing syndrome. Also called: Hereditary neoplastic syndrome; Neoplastic Syndromes, Hereditary; Tumor predisposition; Hereditary Cancer Syndrome. Identifiers: Orphanet 140162, MedGen C0027672, MeSH D009386, MONDO:0015356.
Breast-ovarian cancer, familial, susceptibility to, 2 (BROVCA2). Also called: BRCA2 Hereditary Breast and Ovarian Cancer. Identifiers: Orphanet 145, MedGen C2675520, MONDO:0012933, OMIM 612555. Disease mechanism: loss of function.
Familial cancer of breast. Also called: Hereditary breast cancer; hereditary breast carcinoma; BREAST CANCER, FAMILIAL. Identifiers: Orphanet 227535, MedGen C0346153, MONDO:0016419, OMIM 114480. Disease mechanism: loss of function.

Submissions (4):

Evidence-based Network for the Interpretation of Germline Mutant Alleles (ENIGMA)
Classification: Pathogenic for Breast-ovarian cancer, familial, susceptibility to, 2. Last evaluated: 2017-12-15. Review status: reviewed by expert panel. Criteria: ENIGMA BRCA1/2 Classification Criteria (2017-06-29). Collection method: curation. Allele origin: germline. Study: ENIGMA.
Comment: Variant allele predicted to encode a truncated non-functional protein.

Ambry Genetics
Classification: Pathogenic for Hereditary cancer-predisposing syndrome. Last evaluated: 2024-07-29. Review status: criteria provided, single submitter. Criteria: Ambry Variant Classification Scheme 2023. Collection method: clinical testing. Allele origin: germline. Not counted in ClinVar's aggregate classification.
Comment: The c.522delT pathogenic mutation, located in coding exon 6 of the BRCA2 gene, results from a deletion of one nucleotide at nucleotide position 522, causing a translational frameshift with a predicted alternate stop codon (p.Q175Rfs*10). This variant is considered to be rare based on population cohorts in the Genome Aggregation Database (gnomAD). This alteration is expected to result in loss of function by premature protein truncation or nonsense-mediated mRNA decay. As such, this alteration is interpreted as a disease-causing mutation.

Baylor Genetics
Classification: Likely pathogenic for Familial cancer of breast. Last evaluated: 2024-03-29. Review status: criteria provided, single submitter. Criteria: ACMG Guidelines, 2015. Collection method: clinical testing. Allele origin: unknown. Not counted in ClinVar's aggregate classification.

Labcorp Genetics (formerly Invitae), Labcorp
Classification: Pathogenic for Hereditary breast ovarian cancer syndrome. Last evaluated: 2023-09-12. Review status: criteria provided, single submitter. Criteria: Invitae Variant Classification Sherloc (09022015). Collection method: clinical testing. Allele origin: germline. Not counted in ClinVar's aggregate classification.
Comment: For these reasons, this variant has been classified as Pathogenic. ClinVar contains an entry for this variant (Variation ID: 409558). This variant has not been reported in the literature in individuals affected with BRCA2-related conditions. This variant is not present in population databases (gnomAD no frequency). This sequence change creates a premature translational stop signal (p.Gln175Argfs*10) in the BRCA2 gene. It is expected to result in an absent or disrupted protein product. Loss-of-function variants in BRCA2 are known to be pathogenic (PMID: 20104584).

Literature cited by the submitters: PubMed 20104584 (cited by Labcorp Genetics (formerly Invitae), Labcorp).